The following is an entry in ClinVar:

ClinVar aggregate classification (germline): Uncertain significance (1 of 4 stars; one submission).

Allele frequency attached by ClinVar (database versions not stated): gnomAD exomes 0.00001; ESP Exome Variant Server 0.00008; ExAC 0.00009; gnomAD 0.00011; TOPMed 0.00016; 1000 Genomes Project 0.00040; 1000 Genomes Project 30x 0.00062.

Submission:

Labcorp Genetics (formerly Invitae), Labcorp
Classification: Uncertain significance. Last evaluated: 2025-10-11. Review status: criteria provided, single submitter. Criteria: Invitae Variant Classification Sherloc (09022015). Collection method: clinical testing. Allele origin: germline.
Comment: This sequence change replaces arginine, which is basic and polar, with tryptophan, which is neutral and slightly polar, at codon 377 of the VPS33B protein (p.Arg377Trp). This variant is present in population databases (rs202166707, gnomAD 0.05%). This variant has not been reported in the literature in individuals affected with VPS33B-related conditions. ClinVar contains an entry for this variant (Variation ID: 2079107). Invitae Evidence Modeling of protein sequence and biophysical properties (such as structural, functional, and spatial information, amino acid conservation, physicochemical variation, residue mobility, and thermodynamic stability) indicates that this missense variant is expected to disrupt VPS33B protein function with a positive predictive value of 80%. In summary, the available evidence is currently insufficient to determine the role of this variant in disease. Therefore, it has been classified as a Variant of Uncertain Significance.

NM_018668.5(VPS33B):c.1129C>T (p.Arg377Trp)

Gene: VPS33B (VPS33B late endosome and lysosome associated; minus strand). Cytogenetic location: 15q26.1.
Variant type: single nucleotide variant.
Coding change: c.1129C>T on transcript NM_018668.5 (MANE Select); coding-DNA position 1129, C replaced by T.
Protein change: p.Arg377Trp; replaces arginine 377 with tryptophan.
Molecular consequence: missense variant.
Genome position (GRCh38, 1-based): chr15:91,005,096, G>A on the plus strand (C>T on the coding strand, the complement: VPS33B is on the minus strand). VCF-style: chr15-91005096-G-A. GRCh37 (hg19) VCF-style: chr15-91548326-G-A.
Other names: c.1048C>T, p.Arg350Trp (NM_001289148.1); c.856C>T, p.Arg286Trp (NM_001289149.1); short protein forms R350W, R377W, R286W.
Identifiers: ClinVar variation 2079107 (VCV002079107.2), dbSNP rs202166707, ClinGen allele CA7744776.